The following is an entry in ClinVar:

ClinVar aggregate classification (germline): Likely benign (1 of 4 stars; one submission).

Submission:

CeGaT Center for Human Genetics Tuebingen
Classification: Likely benign. Last evaluated: 2026-08-01. Review status: criteria provided, single submitter. Criteria: CeGaT Center For Human Genetics Tuebingen Variant Classification Criteria Version 2. Collection method: clinical testing. Allele origin: germline. Affected: yes. Observed: 1 variant allele.
Comment: KDM6B: BP4, BP7

NM_001348716.2(KDM6B):c.751T>C (p.Leu251=)

Gene: KDM6B (lysine demethylase 6B; plus strand). Cytogenetic location: 17p13.1.
Variant type: single nucleotide variant.
Coding change: c.751T>C on transcript NM_001348716.2 (MANE Select); coding-DNA position 751, T replaced by C.
Protein change: p.Leu251=; no amino-acid change (leucine 251 retained).
Molecular consequence: synonymous variant.
Genome position (GRCh38, 1-based): chr17:7,846,858, T>C. VCF-style: chr17-7846858-T-C. GRCh37 (hg19) VCF-style: chr17-7750176-T-C.
Other names: c.751T>C, p.Leu251= (NM_001080424.2).
Identifiers: ClinVar variation 5038497 (VCV005038497.1).